The following is an entry in ClinVar:

ClinVar aggregate classification (germline): Uncertain significance (1 of 4 stars; one submission).

Conditions:
Hereditary cancer-predisposing syndrome. Also called: Hereditary Cancer Syndrome; Hereditary neoplastic syndrome; Neoplastic Syndromes, Hereditary; Tumor predisposition. Identifiers: Orphanet 140162, MedGen C0027672, MeSH D009386, MONDO:0015356.

Submission:

Ambry Genetics
Classification: Uncertain significance for Hereditary cancer-predisposing syndrome. Last evaluated: 2026-08-17. Review status: criteria provided, single submitter. Criteria: Ambry Variant Classification Scheme 2023. Collection method: clinical testing. Allele origin: germline.
Comment: The p.G520C variant (also known as c.1558G>T), located in coding exon 4 of the MSH6 gene, results from a G to T substitution at nucleotide position 1558. The glycine at codon 520 is replaced by cysteine, an amino acid with highly dissimilar properties. This amino acid position is highly conserved in available vertebrate species. In addition, this alteration is predicted to be deleterious by in silico analysis. Based on the available evidence, the clinical significance of this variant remains unclear.

NM_000179.3(MSH6):c.1558G>T (p.Gly520Cys)

Gene: MSH6 (mutS homolog 6; plus strand). Cytogenetic location: 2p16.3.
Variant type: single nucleotide variant.
Coding change: c.1558G>T on transcript NM_000179.3 (MANE Select); coding-DNA position 1558, G replaced by T.
Protein change: p.Gly520Cys; replaces glycine 520 with cysteine.
Molecular consequence: missense variant. On other transcripts: non-coding transcript variant (4), intron variant (1).
Genome position (GRCh38, 1-based): chr2:47,799,541, G>T. VCF-style: chr2-47799541-G-T. GRCh37 (hg19) VCF-style: chr2-48026680-G-T.
Other names: c.1558G>T, p.Gly520Cys (NM_001406808.1, NM_001406809.1, NM_001406817.1 and 4 more transcripts); c.652G>T, p.Gly218Cys (NM_001406811.1, NM_001406812.1, NM_001406814.1 and 6 more transcripts); c.1564G>T, p.Gly522Cys (NM_001406813.1); c.1261G>T, p.Gly421Cys (NM_001406818.1, NM_001406797.1, NM_001406801.1 and 10 more transcripts); c.1168G>T, p.Gly390Cys (NM_001281492.2); c.1654G>T, p.Gly552Cys (NM_001406795.1, NM_001406802.1); c.1033G>T, p.Gly345Cys (NM_001406799.1, NM_001406806.1, NM_001406807.1); c.1480G>T, p.Gly494Cys (NM_001406804.1); and 2 more; short protein forms G390C, G494C, G464C, G522C, G421C, G520C, G552C, G218C.
Identifiers: ClinVar variation 2453180 (VCV002453180.3), dbSNP rs1558662076, ClinGen allele CA346746708.